The following is an entry in ClinVar:

NM_001844.5(COL2A1):c.2509G>A (p.Gly837Arg)

Gene: COL2A1 (collagen type II alpha 1 chain; minus strand). Cytogenetic location: 12q13.11.
Variant type: single nucleotide variant.
Coding change: c.2509G>A on transcript NM_001844.5 (MANE Select); coding-DNA position 2509, G replaced by A.
Protein change: p.Gly837Arg; replaces glycine 837 with arginine.
Molecular consequence: missense variant.
Genome position (GRCh38, 1-based): chr12:47,980,923, C>T on the plus strand (G>A on the coding strand, the complement: COL2A1 is on the minus strand). VCF-style: chr12-47980923-C-T. GRCh37 (hg19) VCF-style: chr12-48374706-C-T.
Other names: c.2302G>A, p.Gly768Arg (NM_033150.3); short protein forms G837R, G768R.
Identifiers: ClinVar variation 3720375 (VCV003720375.2).

ClinVar aggregate classification (germline): Likely pathogenic (1 of 4 stars; one submission).

Submission:

Labcorp Genetics (formerly Invitae), Labcorp
Classification: Likely pathogenic. Last evaluated: 2025-03-18. Review status: criteria provided, single submitter. Criteria: Invitae Variant Classification Sherloc (09022015). Collection method: clinical testing. Allele origin: germline.
Comment: This sequence change replaces glycine, which is neutral and non-polar, with arginine, which is basic and polar, at codon 837 of the COL2A1 protein (p.Gly837Arg). This variant is not present in population databases (gnomAD no frequency). This variant has not been reported in the literature in individuals affected with COL2A1-related conditions. Invitae Evidence Modeling of protein sequence and biophysical properties (such as structural, functional, and spatial information, amino acid conservation, physicochemical variation, residue mobility, and thermodynamic stability) indicates that this missense variant is expected to disrupt COL2A1 protein function with a positive predictive value of 95%. This variant disrupts the triple helix domain of COL2A1. Glycine residues within the Gly-Xaa-Yaa repeats of the triple helix domain are required for the structure and stability of fibrillar collagens (PMID: 7695699, 8218237, 19344236). In COL2A1, variants affecting these glycine residues are significantly enriched in individuals with disease (PMID: 9016532, 17078022) compared to the general population (ExAC). In summary, the currently available evidence indicates that the variant is pathogenic, but additional data are needed to prove that conclusively. Therefore, this variant has been classified as Likely Pathogenic.

Literature cited by the submitters: PubMed 7695699; PubMed 8218237; PubMed 19344236; PubMed 9016532; PubMed 17078022.